The following is an entry in ClinVar:

NM_004972.4(JAK2):c.520A>G (p.Thr174Ala)

Genes: INSL6 (insulin like 6; minus strand), JAK2 (Janus kinase 2; plus strand). Cytogenetic location: 9p24.1.
Variant type: single nucleotide variant.
Coding change: c.520A>G on transcript NM_004972.4 (MANE Select); coding-DNA position 520, A replaced by G.
Protein change: p.Thr174Ala; replaces threonine 174 with alanine.
Molecular consequence: missense variant. On other transcripts: 5 prime UTR variant (2), non-coding transcript variant (2).
Genome position (GRCh38, 1-based): chr9:5,050,737, A>G. VCF-style: chr9-5050737-A-G. GRCh37 (hg19) VCF-style: chr9-5050737-A-G.
Other names: c.520A>G, p.Thr174Ala (NM_001322194.2, NM_001322195.2, NM_001322196.2); c.-601A>G (NM_001322198.2, NM_001322199.2); c.73A>G, p.Thr25Ala (NM_001322204.2); short protein forms T25A, T174A.
Identifiers: ClinVar variation 4782212 (VCV004782212.1).

ClinVar aggregate classification (germline): Uncertain significance (1 of 4 stars; one submission).

Submission:

Labcorp Genetics (formerly Invitae), Labcorp
Classification: Uncertain significance. Last evaluated: 2025-04-28. Review status: criteria provided, single submitter. Criteria: Invitae Variant Classification Sherloc (09022015). Collection method: clinical testing. Allele origin: germline.
Comment: This sequence change replaces threonine, which is neutral and polar, with alanine, which is neutral and non-polar, at codon 174 of the JAK2 protein (p.Thr174Ala). This variant is not present in population databases (gnomAD no frequency). This variant has not been reported in the literature in individuals affected with JAK2-related conditions. Invitae Evidence Modeling of protein sequence and biophysical properties (such as structural, functional, and spatial information, amino acid conservation, physicochemical variation, residue mobility, and thermodynamic stability) indicates that this missense variant is not expected to disrupt JAK2 protein function with a negative predictive value of 95%. In summary, the available evidence is currently insufficient to determine the role of this variant in disease. Therefore, it has been classified as a Variant of Uncertain Significance.